The following is an entry in ClinVar:

NM_000018.4(ACADVL):c.542A>G (p.His181Arg)

Gene: ACADVL (acyl-CoA dehydrogenase very long chain; plus strand). Cytogenetic location: 17p13.1.
Variant type: single nucleotide variant.
Coding change: c.542A>G on transcript NM_000018.4 (MANE Select); coding-DNA position 542, A replaced by G.
Protein change: p.His181Arg; replaces histidine 181 with arginine.
Molecular consequence: missense variant.
Genome position (GRCh38, 1-based): chr17:7,221,602, A>G. VCF-style: chr17-7221602-A-G. GRCh37 (hg19) VCF-style: chr17-7124921-A-G.
Other names: c.476A>G, p.His159Arg (NM_001033859.3); c.611A>G, p.His204Arg (NM_001270447.2); c.314A>G, p.His105Arg (NM_001270448.2); short protein forms H181R, H105R, H159R, H204R.
Identifiers: ClinVar variation 474898 (VCV000474898.12), dbSNP rs1425862331, ClinGen allele CA397723123.

ClinVar aggregate classification (germline): Uncertain significance. Review status: criteria provided, multiple submitters, no conflicts (2 of 4 stars). 2 submissions from 2 submitters: Uncertain significance (2). Last evaluated 2020-03-05.

Conditions:
Very long chain acyl-CoA dehydrogenase deficiency (ACADVLD). Also called: VLCAD Deficiency; Very Long-Chain Acyl-Coenzyme A Dehydrogenase Deficiency. Identifiers: Orphanet 26793, MedGen C3887523, MONDO:0008723, OMIM 201475.

Allele frequency attached by ClinVar (database versions not stated): TOPMed 0.00001.

Submissions (2):

Labcorp Genetics (formerly Invitae), Labcorp
Classification: Uncertain significance for Very long chain acyl-CoA dehydrogenase deficiency. Last evaluated: 2020-03-05. Review status: criteria provided, single submitter. Criteria: Invitae Variant Classification Sherloc (09022015). Collection method: clinical testing. Allele origin: germline.
Comment: This sequence change replaces histidine with arginine at codon 181 of the ACADVL protein (p.His181Arg). The histidine residue is highly conserved and there is a small physicochemical difference between histidine and arginine. In summary, this variant is a novel missense change with uncertain impact on protein function. It has been classified as a Variant of Uncertain Significance. Algorithms developed to predict the effect of missense changes on protein structure and function (SIFT, PolyPhen-2, Align-GVGD) all suggest that this variant is likely to be disruptive, but these predictions have not been confirmed by published functional studies. This variant is not present in population databases (ExAC no frequency) and has not been reported in the literature in individuals with VLCAD deficiency.

Eurofins Ntd Llc (ga)
Classification: Uncertain significance. Last evaluated: 2017-06-19. Review status: criteria provided, single submitter. Criteria: EGL Classification Definitions 2015. Collection method: clinical testing. Allele origin: germline. Observed: 1 variant allele, 1 heterozygote.